The following is an entry in ClinVar:

NM_001367624.2(ZNF469):c.2231C>A (p.Ala744Glu)

Gene: ZNF469 (zinc finger protein 469; plus strand). Cytogenetic location: 16q24.2.
Variant type: single nucleotide variant.
Coding change: c.2231C>A on transcript NM_001367624.2 (MANE Select); coding-DNA position 2231, C replaced by A.
Protein change: p.Ala744Glu; replaces alanine 744 with glutamic acid.
Molecular consequence: missense variant.
Genome position (GRCh38, 1-based): chr16:88,429,701, C>A. VCF-style: chr16-88429701-C-A. GRCh37 (hg19) VCF-style: chr16-88496109-C-A.
Other names: short protein forms A744E.
Identifiers: ClinVar variation 3619535 (VCV003619535.2).

ClinVar aggregate classification (germline): Uncertain significance (1 of 4 stars; one submission).

Submission:

Labcorp Genetics (formerly Invitae), Labcorp
Classification: Uncertain significance. Last evaluated: 2024-03-18. Review status: criteria provided, single submitter. Criteria: Invitae Variant Classification Sherloc (09022015). Collection method: clinical testing. Allele origin: germline.
Comment: This sequence change replaces alanine, which is neutral and non-polar, with glutamic acid, which is acidic and polar, at codon 744 of the ZNF469 protein (p.Ala744Glu). This variant is not present in population databases (gnomAD no frequency). This variant has not been reported in the literature in individuals affected with ZNF469-related conditions. An algorithm developed to predict the effect of missense changes on protein structure and function (PolyPhen-2) suggests that this variant is likely to be disruptive. In summary, the available evidence is currently insufficient to determine the role of this variant in disease. Therefore, it has been classified as a Variant of Uncertain Significance.